The following is an entry in ClinVar:

ClinVar aggregate classification (germline): Uncertain significance (1 of 4 stars; one submission).

Conditions:
Alstrom syndrome (ALMS). Identifiers: Orphanet 64, MedGen C0268425, MONDO:0008763, OMIM 203800.

Allele frequency attached by ClinVar (database versions not stated): gnomAD exomes below 0.00001.
gnomAD v4.1: 3 of 1,614,180 alleles (0.00019%); highest among the groups gnomAD compares: African/African-American, 0.0013%; no homozygotes.

Submission:

Labcorp Genetics (formerly Invitae), Labcorp
Classification: Uncertain significance for Alstrom syndrome. Last evaluated: 2025-03-31. Review status: criteria provided, single submitter. Criteria: Invitae Variant Classification Sherloc (09022015). Collection method: clinical testing. Allele origin: germline.
Comment: This sequence change replaces lysine, which is basic and polar, with glutamic acid, which is acidic and polar, at codon 3055 of the ALMS1 protein (p.Lys3055Glu). This variant is not present in population databases (gnomAD no frequency). This variant has not been reported in the literature in individuals affected with ALMS1-related conditions. ClinVar contains an entry for this variant (Variation ID: 2148172). Experimental studies and prediction algorithms are not available or were not evaluated, and the functional significance of this variant is currently unknown. In summary, the available evidence is currently insufficient to determine the role of this variant in disease. Therefore, it has been classified as a Variant of Uncertain Significance.

NM_001378454.1(ALMS1):c.9160A>G (p.Lys3054Glu)

Gene: ALMS1 (ALMS1 centrosome and basal body associated protein; plus strand). Cytogenetic location: 2p13.1.
Variant type: single nucleotide variant.
Coding change: c.9160A>G on transcript NM_001378454.1 (MANE Select); coding-DNA position 9160, A replaced by G.
Protein change: p.Lys3054Glu; replaces lysine 3054 with glutamic acid.
Molecular consequence: missense variant.
Genome position (GRCh38, 1-based): chr2:73,491,119, A>G. VCF-style: chr2-73491119-A-G. GRCh37 (hg19) VCF-style: chr2-73718246-A-G.
Other names: c.9163A>G, p.Lys3055Glu (NM_015120.4); short protein forms K3054E, K3055E.
Identifiers: ClinVar variation 2148172 (VCV002148172.2), dbSNP rs1672976197, ClinGen allele CA347273323.